The following is an entry in ClinVar:

ClinVar aggregate classification (germline): Uncertain significance (1 of 4 stars; one submission).

Conditions:
Muscular dystrophy-dystroglycanopathy (congenital with impaired intellectual development), type B, 1. Also called: MUSCULAR DYSTROPHY, CONGENITAL, POMT1-RELATED; Muscular dystrophy-dystroglycanopathy (congenital with intellectual disability), type B1. Identifiers: MedGen C5436962, MONDO:0013159, OMIM 613155.
Walker-Warburg congenital muscular dystrophy. Also called: Muscular dystrophy-dystroglycanopathy, type A; Walker-Warburg syndrome. Identifiers: Orphanet 899, MedGen C0265221, MONDO:0000171.
Autosomal recessive limb-girdle muscular dystrophy type 2K. Also called: MUSCULAR DYSTROPHY-DYSTROGLYCANOPATHY (LIMB-GIRDLE), TYPE C, 1; MUSCULAR DYSTROPHY, LIMB-GIRDLE, TYPE 2K. Identifiers: Orphanet 86812, MedGen C1836373, MONDO:0012248, OMIM 609308.

gnomAD v4.1: 4 of 1,614,056 alleles (0.00025%); highest among the groups gnomAD compares: Non-Finnish European, 0.00034%; no homozygotes.

Submission:

Labcorp Genetics (formerly Invitae), Labcorp
Classification: Uncertain significance for Muscular dystrophy-dystroglycanopathy (congenital with impaired intellectual development), type B, 1; Walker-Warburg congenital muscular dystrophy; Autosomal recessive limb-girdle muscular dystrophy type 2K. Last evaluated: 2024-04-15. Review status: criteria provided, single submitter. Criteria: Invitae Variant Classification Sherloc (09022015). Collection method: clinical testing. Allele origin: germline.
Comment: This sequence change replaces arginine, which is basic and polar, with serine, which is neutral and polar, at codon 290 of the POMT1 protein (p.Arg290Ser). This variant is present in population databases (rs756974607, gnomAD 0.0009%). This variant has not been reported in the literature in individuals affected with POMT1-related conditions. Advanced modeling of protein sequence and biophysical properties (such as structural, functional, and spatial information, amino acid conservation, physicochemical variation, residue mobility, and thermodynamic stability) has been performed at Invitae for this missense variant, however the output from this modeling did not meet the statistical confidence thresholds required to predict the impact of this variant on POMT1 protein function. In summary, the available evidence is currently insufficient to determine the role of this variant in disease. Therefore, it has been classified as a Variant of Uncertain Significance.

NM_001077365.2(POMT1):c.802C>A (p.Arg268Ser)

Gene: POMT1 (protein O-mannosyltransferase 1; plus strand). Cytogenetic location: 9q34.13.
Variant type: single nucleotide variant.
Coding change: c.802C>A on transcript NM_001077365.2 (MANE Select); coding-DNA position 802, C replaced by A.
Protein change: p.Arg268Ser; replaces arginine 268 with serine.
Molecular consequence: missense variant. On other transcripts: 5 prime UTR variant (1), non-coding transcript variant (10).
Genome position (GRCh38, 1-based): chr9:131,510,362, C>A. VCF-style: chr9-131510362-C-A. GRCh37 (hg19) VCF-style: chr9-134385749-C-A.
Other names: c.706C>A, p.Arg236Ser (NM_001353197.2, NM_001353198.2); c.517C>A, p.Arg173Ser (NM_001353199.2); c.346C>A, p.Arg116Ser (NM_001353200.2); c.785C>A, p.Pro262Gln (NM_001374689.1); c.802C>A, p.Arg268Ser (NM_001374690.1, NM_001136113.2); c.451C>A, p.Arg151Ser (NM_001374691.1, NM_001374692.1, NM_001136114.2 and 1 more transcripts); c.640C>A, p.Arg214Ser (NM_001374693.1, NM_001077366.2, NM_001353194.2); c.412C>A, p.Arg138Ser (NM_001374695.1); and 3 more; short protein forms P262Q, R116S, R138S, R151S, R173S, R214S, R236S, R238S.
Identifiers: ClinVar variation 3751649 (VCV003751649.1).
Genomic context (GRCh38, chr9:131,510,362, plus strand): 5'-CTGGTCATCCCGGTCGTCCTGTACTTACTGTTCTTCTACGTCCACTTGATTCTAGTCTTC[C>A]GCTCTGGGCCCCACGACCAAATCATGTCCAGTGCCTTCCAGGCCAGCTTAGAGGTAAGTA-3'
Protein context (NP_001070833.1, residues 258-278): FFYVHLILVF[Arg268Ser]SGPHDQIMSS